The following is an entry in ClinVar:

ClinVar aggregate classification (germline): Uncertain significance (1 of 4 stars; one submission).

Conditions:
EHHADH-related disorder. Also called: EHHADH-related condition.

gnomAD v4.1: 10 of 1,601,254 alleles (0.00062%); highest among the groups gnomAD compares: Admixed American, 0.0086%; no homozygotes.

Submission:

PreventionGenetics, part of Exact Sciences
Classification: Uncertain significance for EHHADH-related condition. Last evaluated: 2026-04-08. Review status: criteria provided, single submitter. Criteria: ACMG Guidelines, 2015. Collection method: clinical testing. Allele origin: germline.
Comment: The EHHADH c.1135A>G variant is predicted to result in the amino acid substitution p.Ile379Val. To our knowledge, this variant has not been reported in the literature. This variant is reported in 0.012% of alleles in individuals of Latino descent in gnomAD. At this time, the clinical significance of this variant is uncertain due to the absence of conclusive functional and genetic evidence.

NM_001966.4(EHHADH):c.1135A>G (p.Ile379Val)

Gene: EHHADH (enoyl-CoA hydratase and 3-hydroxyacyl CoA dehydrogenase; minus strand). Cytogenetic location: 3q27.2.
Variant type: single nucleotide variant.
Coding change: c.1135A>G on transcript NM_001966.4 (MANE Select); coding-DNA position 1135, A replaced by G.
Protein change: p.Ile379Val; replaces isoleucine 379 with valine.
Molecular consequence: missense variant.
Genome position (GRCh38, 1-based): chr3:185,193,263, T>C on the plus strand (A>G on the coding strand, the complement: EHHADH is on the minus strand). VCF-style: chr3-185193263-T-C. GRCh37 (hg19) VCF-style: chr3-184911051-T-C.
Other names: c.847A>G, p.Ile283Val (NM_001166415.2); short protein forms I379V, I283V.
Identifiers: ClinVar variation 4977056 (VCV004977056.1).